The following is an entry in ClinVar:

NM_001303052.2(MYT1L):c.173C>T (p.Ala58Val)

Gene: MYT1L (myelin transcription factor 1 like; minus strand). Cytogenetic location: 2p25.3.
Variant type: single nucleotide variant.
Coding change: c.173C>T on transcript NM_001303052.2 (MANE Select); coding-DNA position 173, C replaced by T.
Protein change: p.Ala58Val; replaces alanine 58 with valine.
Molecular consequence: missense variant.
Genome position (GRCh38, 1-based): chr2:1,943,314, G>A on the plus strand (C>T on the coding strand, the complement: MYT1L is on the minus strand). VCF-style: chr2-1943314-G-A. GRCh37 (hg19) VCF-style: chr2-1947086-G-A.
Other names: c.173C>T, p.Ala58Val (NM_001329849.3, NM_001329851.3, NM_001329852.3 and 6 more transcripts); short protein forms A58V.
Identifiers: ClinVar variation 2650631 (VCV002650631.24), dbSNP rs1385738575, ClinGen allele CA345714193.

ClinVar aggregate classification (germline): Uncertain significance (1 of 4 stars; one submission).

Allele frequency attached by ClinVar (database versions not stated): gnomAD exomes below 0.00001; TOPMed below 0.00001.
gnomAD v4.1: 6 of 1,572,570 alleles (0.00038%); highest among the groups gnomAD compares: Non-Finnish European, 0.00052%; no homozygotes.

Submission:

CeGaT Center for Human Genetics Tuebingen
Classification: Uncertain significance. Last evaluated: 2023-04-01. Review status: criteria provided, single submitter. Criteria: CeGaT Center For Human Genetics Tuebingen Variant Classification Criteria Version 2. Collection method: clinical testing. Allele origin: germline. Affected: yes. Observed: 1 variant allele.
Comment: MYT1L: PM2, PP2